The following is an entry in ClinVar:

ClinVar aggregate classification (germline): Pathogenic (1 of 4 stars; one submission).

Conditions:
Charcot-Marie-Tooth disease axonal type 2S. Also called: CHARCOT-MARIE-TOOTH DISEASE, AXONAL, AUTOSOMAL RECESSIVE, TYPE 2S; CHARCOT-MARIE-TOOTH NEUROPATHY, TYPE 2S. Identifiers: Orphanet 443073, MedGen C4015349, MONDO:0014511, OMIM 616155.
Autosomal recessive distal spinal muscular atrophy 1. Also called: HMN VI; NEURONOPATHY, SEVERE INFANTILE AXONAL, WITH RESPIRATORY FAILURE; SEVERE INFANTILE AXONAL NEUROPATHY WITH RESPIRATORY FAILURE; SPINAL MUSCULAR ATROPHY, DIAPHRAGMATIC; Spinal muscular atrophy with respiratory distress 1; NEURONOPATHY, DISTAL HEREDITARY MOTOR, HARDING TYPE VI. Identifiers: Orphanet 98920, MedGen C1858517, MONDO:0011436, OMIM 604320.

Submission:

Labcorp Genetics (formerly Invitae), Labcorp
Classification: Pathogenic for Autosomal recessive distal spinal muscular atrophy 1; Charcot-Marie-Tooth disease axonal type 2S. Last evaluated: 2024-07-23. Review status: criteria provided, single submitter. Criteria: Invitae Variant Classification Sherloc (09022015). Collection method: clinical testing. Allele origin: germline.
Comment: This sequence change creates a premature translational stop signal (p.Gly668Aspfs*65) in the IGHMBP2 gene. It is expected to result in an absent or disrupted protein product. Loss-of-function variants in IGHMBP2 are known to be pathogenic (PMID: 14681881, 25439726, 25568292). This variant is not present in population databases (gnomAD no frequency). This variant has not been reported in the literature in individuals affected with IGHMBP2-related conditions. For these reasons, this variant has been classified as Pathogenic.

Literature cited by the submitters: PubMed 14681881; PubMed 25439726; PubMed 25568292.

NM_002180.3(IGHMBP2):c.2003del (p.Gly668fs)

Gene: IGHMBP2 (immunoglobulin mu DNA binding protein 2; plus strand). Cytogenetic location: 11q13.3.
Variant type: Deletion.
Coding change: c.2003del on transcript NM_002180.3 (MANE Select); coding-DNA position 2003, one base deleted (G; older notation c.2003delG).
Protein change: p.Gly668fs; shifts the reading frame from glycine 668.
Molecular consequence: frameshift variant.
Genome position (GRCh38, 1-based): chr11:68,936,483, G deleted; the last of 3 consecutive G bases (chr11:68,936,481-68,936,483); deleting any one gives the same sequence. VCF-style (leftmost placement, unchanged base first): chr11-68936480-AG-A. GRCh37 (hg19) VCF-style: chr11-68703948-AG-A.
Other names: short protein forms G668fs.
Identifiers: ClinVar variation 3757117 (VCV003757117.2).